The following is an entry in ClinVar:

ClinVar aggregate classification (germline): Likely pathogenic (1 of 4 stars; one submission).

Conditions:
Neuronal ceroid lipofuscinosis. Also called: Neuronal Ceroid Lipofuscinoses. Identifiers: Orphanet 216, Orphanet 79263, MedGen C0027877, MONDO:0016295. Disease mechanism: loss of function.

Submission:

Labcorp Genetics (formerly Invitae), Labcorp
Classification: Likely pathogenic for Neuronal ceroid lipofuscinosis. Last evaluated: 2025-11-15. Review status: criteria provided, single submitter. Criteria: Invitae Variant Classification Sherloc (09022015). Collection method: clinical testing. Allele origin: germline.
Comment: This sequence change affects an acceptor splice site in intron 3 of the CTSD gene. It is expected to disrupt RNA splicing. Variants that disrupt the donor or acceptor splice site typically lead to a loss of protein function (PMID: 16199547), and loss-of-function variants in CTSD are known to be pathogenic (PMID: 16670177, 26059544). This variant is not present in population databases (gnomAD no frequency). This variant has not been reported in the literature in individuals affected with CTSD-related conditions. Algorithms developed to predict the effect of sequence changes on RNA splicing suggest that this variant may disrupt the consensus splice site. In summary, the currently available evidence indicates that the variant is pathogenic, but additional data are needed to prove that conclusively. Therefore, this variant has been classified as Likely Pathogenic.

Literature cited by the submitters: PubMed 16199547; PubMed 16670177; PubMed 26059544.

NM_001909.5(CTSD):c.353-2A>G

Gene: CTSD (cathepsin D; minus strand). Cytogenetic location: 11p15.5.
Variant type: single nucleotide variant.
Coding change: c.353-2A>G on transcript NM_001909.5 (MANE Select); the canonical splice acceptor site of the intron before coding-DNA position 353, A replaced by G.
Molecular consequence: splice acceptor variant.
Genome position (GRCh38, 1-based): chr11:1,759,089, T>C on the plus strand (A>G on the coding strand, the complement: CTSD is on the minus strand). VCF-style: chr11-1759089-T-C. GRCh37 (hg19) VCF-style: chr11-1780319-T-C.
Identifiers: ClinVar variation 4747954 (VCV004747954.1).